The following is an entry in ClinVar:

ClinVar aggregate classification (germline): Pathogenic. Review status: criteria provided, single submitter (1 of 4 stars). 2 submissions from 2 submitters: Pathogenic (1). 1 of the submissions does not count toward it. Last evaluated 2023-01-26.

Conditions:
Achromatopsia 3 (ACHM3). Also called: PINGELAPESE BLINDNESS; TOTAL COLORBLINDNESS WITH MYOPIA; ACHROMATOPSIA WITH MYOPIA; ROD MONOCHROMACY 1; ROD MONOCHROMATISM 1. Identifiers: Orphanet 49382, MedGen C1849792, MONDO:0009875, OMIM 262300.

Submissions (2):

Labcorp Genetics (formerly Invitae), Labcorp
Classification: Pathogenic. Last evaluated: 2023-01-26. Review status: criteria provided, single submitter. Criteria: Invitae Variant Classification Sherloc (09022015). Collection method: clinical testing. Allele origin: germline.
Comment: For these reasons, this variant has been classified as Pathogenic. ClinVar contains an entry for this variant (Variation ID: 557142). This variant has not been reported in the literature in individuals affected with CNGB3-related conditions. This variant is not present in population databases (gnomAD no frequency). This sequence change creates a premature translational stop signal (p.Glu670*) in the CNGB3 gene. It is expected to result in an absent or disrupted protein product. Loss-of-function variants in CNGB3 are known to be pathogenic (PMID: 28795510).

Counsyl
Classification: Likely pathogenic for Achromatopsia 3. Last evaluated: 2018-03-05. Review status: no assertion criteria provided. Collection method: clinical testing. Allele origin: unknown. Not counted in ClinVar's aggregate classification.

Literature cited by the submitters: PubMed 28795510 (cited by Labcorp Genetics (formerly Invitae), Labcorp).

NM_019098.5(CNGB3):c.2008G>T (p.Glu670Ter)

Gene: CNGB3 (cyclic nucleotide gated channel subunit beta 3; minus strand). Cytogenetic location: 8q21.3.
Variant type: single nucleotide variant.
Coding change: c.2008G>T on transcript NM_019098.5 (MANE Select); coding-DNA position 2008, G replaced by T.
Protein change: p.Glu670Ter; replaces glutamic acid 670 with a stop codon.
Molecular consequence: nonsense.
Genome position (GRCh38, 1-based): chr8:86,578,784, C>A on the plus strand (G>T on the coding strand, the complement: CNGB3 is on the minus strand). VCF-style: chr8-86578784-C-A. GRCh37 (hg19) VCF-style: chr8-87591012-C-A.
Other names: short protein forms E670*.
Identifiers: ClinVar variation 557142 (VCV000557142.5), dbSNP rs1554604775, ClinGen allele CA371447408.